The following is an entry in ClinVar:

NM_014014.5(SNRNP200):c.4462G>A (p.Val1488Met)

Gene: SNRNP200 (small nuclear ribonucleoprotein U5 subunit 200; minus strand). Cytogenetic location: 2q11.2.
Variant type: single nucleotide variant.
Coding change: c.4462G>A on transcript NM_014014.5 (MANE Select); coding-DNA position 4462, G replaced by A.
Protein change: p.Val1488Met; replaces valine 1488 with methionine.
Molecular consequence: missense variant.
Genome position (GRCh38, 1-based): chr2:96,283,935, C>T on the plus strand (G>A on the coding strand, the complement: SNRNP200 is on the minus strand). VCF-style: chr2-96283935-C-T. GRCh37 (hg19) VCF-style: chr2-96949673-C-T.
Other names: short protein forms V1488M.
Identifiers: ClinVar variation 1511277 (VCV001511277.6), dbSNP rs1160582211, ClinGen allele CA347665581.

ClinVar aggregate classification (germline): Uncertain significance (1 of 4 stars; one submission).

Submission:

Labcorp Genetics (formerly Invitae), Labcorp
Classification: Uncertain significance. Last evaluated: 2021-08-27. Review status: criteria provided, single submitter. Criteria: Invitae Variant Classification Sherloc (09022015). Collection method: clinical testing. Allele origin: germline.
Comment: This sequence change replaces valine with methionine at codon 1488 of the SNRNP200 protein (p.Val1488Met). The valine residue is highly conserved and there is a small physicochemical difference between valine and methionine. This variant is not present in population databases (ExAC no frequency). This variant has not been reported in the literature in individuals affected with SNRNP200-related conditions. Algorithms developed to predict the effect of missense changes on protein structure and function are either unavailable or do not agree on the potential impact of this missense change (SIFT: "Deleterious"; PolyPhen-2: "Possibly Damaging"; Align-GVGD: "Class C0"). In summary, the available evidence is currently insufficient to determine the role of this variant in disease. Therefore, it has been classified as a Variant of Uncertain Significance.